The following is an entry in ClinVar:

NM_007294.4(BRCA1):c.5561del (p.Leu1854fs)

Gene: BRCA1 (BRCA1 DNA repair associated; minus strand). Cytogenetic location: 17q21.31.
Variant type: Deletion.
Coding change: c.5561del on transcript NM_007294.4 (MANE Select); coding-DNA position 5561, one base deleted (T; older notation c.5561delT).
Protein change: p.Leu1854fs; shifts the reading frame from leucine 1854.
Molecular consequence: frameshift variant. On other transcripts: 3 prime UTR variant (1), non-coding transcript variant (1).
Genome position (GRCh38, 1-based): chr17:43,045,709, A deleted on the plus strand (T on the coding strand, the reverse complement: BRCA1 is on the minus strand). VCF-style (leftmost placement, unchanged base first): chr17-43045708-CA-C. GRCh37 (hg19) VCF-style: chr17-41197725-CA-C.
Other names: c.5348delT, p.Leu1783Argfs (NM_001407571.1, NM_001407894.1, NM_001407895.1 and 12 more transcripts); c.5627delT, p.Leu1876Argfs (NM_001407581.1, NM_001407582.1); c.5624delT, p.Leu1875Argfs (NM_001407583.1, NM_001407585.1, NM_001407587.1); c.5621delT, p.Leu1874Argfs (NM_001407590.1, NM_001407591.1); c.5561delT, p.Leu1854Argfs (NM_001407593.1, NM_001407594.1, NM_001407596.1 and 5 more transcripts); c.5558delT, p.Leu1853Argfs (NM_001407610.1, NM_001407611.1, NM_001407612.1 and 14 more transcripts); c.5555delT, p.Leu1852Argfs (NM_001407627.1, NM_001407628.1, NM_001407629.1 and 13 more transcripts); c.5552delT, p.Leu1851Argfs (NM_001407644.1, NM_001407645.1); and 77 more; short protein forms L1807fs, L1854fs, L1875fs, L750fs.
Identifiers: ClinVar variation 1185566 (VCV001185566.4), dbSNP rs2152501157, ClinGen allele CA2499224339.

ClinVar aggregate classification (germline): Conflicting classifications of pathogenicity. Review status: criteria provided, conflicting classifications (1 of 4 stars). 2 submissions from 2 submitters: Pathogenic (1); Uncertain significance (1). Last evaluated 2022-02-02.

Conditions:
Hereditary breast ovarian cancer syndrome. Also called: Hereditary breast and ovarian cancer syndrome (HBOC); Breast and ovarian cancer; Hereditary breast and ovarian cancer syndrome; Hereditary breast and ovarian cancer; Hereditary breast and/or ovarian cancer syndrome; BRCA1- and BRCA2-Associated Hereditary Breast and Ovarian Cancer. Identifiers: Orphanet 145, MedGen C0677776, MeSH D061325, MONDO:0003582. Disease mechanism: loss of function.
Breast-ovarian cancer, familial, susceptibility to, 1 (BROVCA1). Also called: BRCA1 Hereditary Breast and Ovarian Cancer; OVARIAN CANCER, SUSCEPTIBILITY TO. Identifiers: Orphanet 145, MedGen C2676676, MONDO:0011450, OMIM 604370. Disease mechanism: loss of function.

Submissions (2):

Victorian Clinical Genetics Services, Murdoch Childrens Research Institute
Classification: Pathogenic for Breast-ovarian cancer, familial, susceptibility to, 1. Last evaluated: 2022-02-02. Review status: criteria provided, single submitter. Criteria: ACMG Guidelines, 2015. Collection method: clinical testing. Allele origin: germline.
Comment: Based on the classification scheme VCGS_Germline_v1.3.4, this variant is classified as Pathogenic. Following criteria are met: 0102 - Loss of function is a known mechanism of disease in this gene and is associated with a risk of breast and ovarian cancer (MIM#604370), fanconi anemia, complementation group S (MIM#617883) and other types of cancer (OMIM). (I). 0108 - This gene is associated with both recessive and dominant disease. Autosomal recessive inheritance of variants is associated with fanconi anaemia, complementation group S (MIM#617883), whilst autosomal dominant inheritance is associated with an increased risk for familial breast and/or ovarian cancer, 1 (MIM#604370), or pancreatic cancer susceptibility, 4 (MIM#614320). The gene has also been reported to be associated with increased risk for prostate and stomach cancer (PMID: 26236408). (I) 0112 - The condition associated with this gene has incomplete penetrance (OMIM, Gene Reviews). (I) 0208 - Variant is predicted to result in an elongated protein. (SP) 0251 - This variant is heterozygous. (I) 0301 - Variant is absent from gnomAD (both v2 and v3). (SP) 0309 - An alternative elongated protein has been observed in gnomAD (v2) (1 heterozygote, 0 homozygotes). (I) 0601 - Variant will disrupt part of the well-established functional BRCT domain (PMID: 15133503). (SP) 0701 - Multiple elongated variants comparable to the one identified in this case have very strong previous evidence for pathogenicity (ClinVar). (SP) 0807 - This variant has no previous evidence of pathogenicity. (I) 0905 - No published segregation evidence has been identified for this variant. (I) 1007 - No published functional evidence has been identified for this variant. (I) 1208 - Inheritance information for this variant is not currently available in this individual. (I) Legend: (SP) - Supporting pathogenic, (I) - Information, (SB) - Supporting benign

Cancer Variant Interpretation Group UK, Institute of Cancer Research, London
Classification: Uncertain significance for Hereditary breast ovarian cancer syndrome. Last evaluated: 2021-07-09. Review status: criteria provided, single submitter. Criteria: ACMG Guidelines, 2015. Collection method: reference population, in vitro. Allele origin: germline, not applicable. Affected: no.
Comment: Absent from gnomad (PM2_mod). Frameshift leads to protein extension beyond normal stop codon. Affects last 10 aa of BRCA1 gene (<10% of protein). Not subject to NMD or NSD. Findlay 2018 data: p.Leu1854Arg is FUNC and all missense variant combinations downstream of this variant are FUNC â€“ functional role of protein region unknown (PVS1_mod).

Literature cited by the submitters: PubMed 15133503 (cited by Victorian Clinical Genetics Services, Murdoch Childrens Research Institute); PubMed 26236408 (cited by Victorian Clinical Genetics Services, Murdoch Childrens Research Institute).